The following is an entry in ClinVar:

NM_013450.4(BAZ2B):c.5882A>G (p.His1961Arg)

Gene: BAZ2B (bromodomain adjacent to zinc finger domain 2B; minus strand). Cytogenetic location: 2q24.2.
Variant type: single nucleotide variant.
Coding change: c.5882A>G on transcript NM_013450.4 (MANE Select); coding-DNA position 5882, A replaced by G.
Protein change: p.His1961Arg; replaces histidine 1961 with arginine.
Molecular consequence: missense variant.
Genome position (GRCh38, 1-based): chr2:159,332,601, T>C on the plus strand (A>G on the coding strand, the complement: BAZ2B is on the minus strand). VCF-style: chr2-159332601-T-C. GRCh37 (hg19) VCF-style: chr2-160189112-T-C.
Other names: c.5774A>G, p.His1925Arg (NM_001289975.1); c.5825A>G, p.His1942Arg (NM_001329857.2); c.5807A>G, p.His1936Arg (NM_001329858.2); short protein forms H1925R, H1936R, H1942R, H1961R.
Identifiers: ClinVar variation 4531111 (VCV004531111.2).

ClinVar aggregate classification (germline): Uncertain significance (1 of 4 stars; one submission).

gnomAD v4.1: 2 of 1,614,022 alleles (0.00012%); highest among the groups gnomAD compares: Non-Finnish European, 0.00017%; no homozygotes.

Submission:

GeneDx
Classification: Uncertain significance. Last evaluated: 2026-08-13. Review status: criteria provided, single submitter. Criteria: GeneDx Variant Classification Process June 2021. Collection method: clinical testing. Allele origin: germline.
Comment: Not observed at significant frequency in large population cohorts (gnomAD); In silico analysis supports that this missense variant has a deleterious effect on protein structure/function; Has not been previously published as pathogenic or benign to our knowledge